The following is an entry in ClinVar:

ClinVar aggregate classification (germline): Uncertain significance (1 of 4 stars; one submission).

Submission:

GeneDx
Classification: Uncertain significance. Last evaluated: 2024-06-24. Review status: criteria provided, single submitter. Criteria: GeneDx Variant Classification Process June 2021. Collection method: clinical testing. Allele origin: germline. Affected: yes.
Comment: Not observed at significant frequency in large population cohorts (gnomAD); Has not been previously published as pathogenic or benign to our knowledge; Canonical splice site variant in a gene for which loss-of-function is not an established mechanism of disease

NM_005458.8(GABBR2):c.322-1G>A

Gene: GABBR2 (gamma-aminobutyric acid type B receptor subunit 2; minus strand). Cytogenetic location: 9q22.33.
Variant type: single nucleotide variant.
Coding change: c.322-1G>A on transcript NM_005458.8 (MANE Select); the canonical splice acceptor site of the intron before coding-DNA position 322, G replaced by A.
Molecular consequence: splice acceptor variant.
Genome position (GRCh38, 1-based): chr9:98,578,073, C>T on the plus strand (G>A on the coding strand, the complement: GABBR2 is on the minus strand). VCF-style: chr9-98578073-C-T. GRCh37 (hg19) VCF-style: chr9-101340355-C-T.
Identifiers: ClinVar variation 3392809 (VCV003392809.1).